The following is an entry in ClinVar:

ClinVar aggregate classification (germline): Uncertain significance. Review status: criteria provided, multiple submitters, no conflicts (2 of 4 stars). 2 submissions from 2 submitters: Uncertain significance (2). Last evaluated 2024-10-29.

Conditions:
Hereditary cancer-predisposing syndrome. Also called: Hereditary Cancer Syndrome; Neoplastic Syndromes, Hereditary; Tumor predisposition; Hereditary neoplastic syndrome. Identifiers: Orphanet 140162, MedGen C0027672, MeSH D009386, MONDO:0015356.
Ataxia-telangiectasia syndrome (AT). Also called: Ataxia-telangiectasia, complementation group D; AT, COMPLEMENTATION GROUP C; ATAXIA-TELANGIECTASIA, COMPLEMENTATION GROUP A; ATAXIA-TELANGIECTASIA, FRESNO VARIANT; Ataxia-telangiectasia; LOUIS-BAR SYNDROME. Identifiers: Orphanet 100, MedGen C0004135, MONDO:0008840, OMIM 208900.

Allele frequency attached by ClinVar (database versions not stated): TOPMed below 0.00001.

Submissions (2):

Labcorp Genetics (formerly Invitae), Labcorp
Classification: Uncertain significance for Ataxia-telangiectasia syndrome. Last evaluated: 2024-10-29. Review status: criteria provided, single submitter. Criteria: Invitae Variant Classification Sherloc (09022015). Collection method: clinical testing. Allele origin: germline.
Comment: This sequence change replaces threonine, which is neutral and polar, with serine, which is neutral and polar, at codon 909 of the ATM protein (p.Thr909Ser). This variant is not present in population databases (gnomAD no frequency). This variant has not been reported in the literature in individuals affected with ATM-related conditions. ClinVar contains an entry for this variant (Variation ID: 186728). Invitae Evidence Modeling of protein sequence and biophysical properties (such as structural, functional, and spatial information, amino acid conservation, physicochemical variation, residue mobility, and thermodynamic stability) indicates that this missense variant is not expected to disrupt ATM protein function with a negative predictive value of 95%. In summary, the available evidence is currently insufficient to determine the role of this variant in disease. Therefore, it has been classified as a Variant of Uncertain Significance.

Ambry Genetics
Classification: Uncertain significance for Hereditary cancer-predisposing syndrome. Last evaluated: 2024-06-05. Review status: criteria provided, single submitter. Criteria: Ambry Variant Classification Scheme 2023. Collection method: clinical testing. Allele origin: germline.
Comment: The p.T909S variant (also known as c.2725A>T), located in coding exon 17 of the ATM gene, results from an A to T substitution at nucleotide position 2725. The threonine at codon 909 is replaced by serine, an amino acid with similar properties. This amino acid position is well conserved in available vertebrate species. In addition, this alteration is predicted to be tolerated by in silico analysis. Based on the available evidence, the clinical significance of this variant remains unclear.

NM_000051.4(ATM):c.2725A>T (p.Thr909Ser)

Gene: ATM (ATM serine/threonine kinase; plus strand). Cytogenetic location: 11q22.3.
Variant type: single nucleotide variant.
Coding change: c.2725A>T on transcript NM_000051.4 (MANE Select); coding-DNA position 2725, A replaced by T.
Protein change: p.Thr909Ser; replaces threonine 909 with serine.
Molecular consequence: missense variant.
Genome position (GRCh38, 1-based): chr11:108,268,496, A>T. VCF-style: chr11-108268496-A-T. GRCh37 (hg19) VCF-style: chr11-108139223-A-T.
Other names: c.2725A>T, p.Thr909Ser (NM_001351834.2); short protein forms T909S.
Identifiers: ClinVar variation 186728 (VCV000186728.13), dbSNP rs786203175, ClinGen allele CA195679.